The following is an entry in ClinVar:

ClinVar aggregate classification (germline): Uncertain significance (1 of 4 stars; one submission).

Conditions:
Neuropathy, hereditary sensory and autonomic, type 2A (HSAN2A). Also called: WNK1-Related HSAN2 (HSAN2A); MORVAN DISEASE; NEUROPATHY, CONGENITAL SENSORY; NEUROPATHY, HEREDITARY SENSORY RADICULAR, AUTOSOMAL RECESSIVE; NEUROPATHY, HEREDITARY SENSORY, TYPE IIA; NEUROPATHY, PROGRESSIVE SENSORY, OF CHILDREN. Identifiers: Orphanet 970, MedGen C2752089, MONDO:0024309, OMIM 201300.
Generalized epilepsy with febrile seizures plus, type 7 (GEFSP7). Also called: GEFS+, TYPE 7. Identifiers: Orphanet 36387, MedGen C2751778, MONDO:0013470, OMIM 613863.

Submission:

Labcorp Genetics (formerly Invitae), Labcorp
Classification: Uncertain significance for Neuropathy, hereditary sensory and autonomic, type 2A; Generalized epilepsy with febrile seizures plus, type 7. Last evaluated: 2022-01-20. Review status: criteria provided, single submitter. Criteria: Invitae Variant Classification Sherloc (09022015). Collection method: clinical testing. Allele origin: germline.
Comment: This variant is not present in population databases (gnomAD no frequency). In summary, the available evidence is currently insufficient to determine the role of this variant in disease. Therefore, it has been classified as a Variant of Uncertain Significance. Variants that disrupt the consensus splice site are a relatively common cause of aberrant splicing (PMID: 17576681, 9536098). Algorithms developed to predict the effect of sequence changes on RNA splicing suggest that this variant may disrupt the consensus splice site. Algorithms developed to predict the effect of missense changes on protein structure and function (SIFT, PolyPhen-2, Align-GVGD) all suggest that this variant is likely to be tolerated. This variant has not been reported in the literature in individuals affected with SCN9A-related conditions. This sequence change replaces glutamic acid, which is acidic and polar, with aspartic acid, which is acidic and polar, at codon 438 of the SCN9A protein (p.Glu438Asp). This variant also falls at the last nucleotide of exon 10, which is part of the consensus splice site for this exon.

Literature cited by the submitters: PubMed 17576681; PubMed 9536098.

NM_001365536.1(SCN9A):c.1314G>T (p.Glu438Asp)

Genes: SCN1A-AS1 (SCN1A and SCN9A antisense RNA 1; plus strand), SCN9A (sodium voltage-gated channel alpha subunit 9; minus strand). Cytogenetic location: 2q24.3.
Variant type: single nucleotide variant.
Coding change: c.1314G>T on transcript NM_001365536.1 (MANE Select); coding-DNA position 1314, G replaced by T.
Protein change: p.Glu438Asp; replaces glutamic acid 438 with aspartic acid.
Molecular consequence: missense variant.
Genome position (GRCh38, 1-based): chr2:166,288,437, C>A on the plus strand (G>T on the coding strand, the complement: SCN9A is on the minus strand). VCF-style: chr2-166288437-C-A. GRCh37 (hg19) VCF-style: chr2-167144947-C-A.
Other names: c.1314G>T, p.Glu438Asp (NM_002977.4); short protein forms E438D.
Identifiers: ClinVar variation 2088447 (VCV002088447.4), dbSNP rs2468047817, ClinGen allele CA349085563.